The following is an entry in ClinVar:

NM_001498.4(GCLC):c.1486G>T (p.Ala496Ser)

Genes: GCLC (glutamate-cysteine ligase catalytic subunit; minus strand), GCLC-AS1 (GCLC antisense RNA 1; plus strand). Cytogenetic location: 6p12.1.
Variant type: single nucleotide variant.
Coding change: c.1486G>T on transcript NM_001498.4 (MANE Select); coding-DNA position 1486, G replaced by T.
Protein change: p.Ala496Ser; replaces alanine 496 with serine.
Molecular consequence: missense variant.
Genome position (GRCh38, 1-based): chr6:53,500,342, C>A on the plus strand (G>T on the coding strand, the complement: GCLC is on the minus strand). VCF-style: chr6-53500342-C-A. GRCh37 (hg19) VCF-style: chr6-53365140-C-A.
Other names: c.1486G>T (NM_001498.3); c.1372G>T, p.Ala458Ser (NM_001197115.2); short protein forms A458S, A496S.
Identifiers: ClinVar variation 1330870 (VCV001330870.11), dbSNP rs147154581, ClinGen allele CA3860050.
Genomic context (GRCh38, chr6:53,500,342, plus strand): 5'-TGTACTCCTCTGCAGCGAGCTCCGTGCTGTTCTGGGCCTTGCCACAACCATCCACCACTG[C>A]ATTGCCACCTGCCGGAGAAGAGGGTCAGGGGAGCTTTAGCAGCTTGTTGCAGCATAAGCT-3'
Protein context (NP_001489.1, residues 486-506): FRKDICKGGN[Ala496Ser]VVDGCGKAQN

ClinVar aggregate classification (germline): Conflicting classifications of pathogenicity. Review status: criteria provided, conflicting classifications (1 of 4 stars). 3 submissions from 3 submitters: Uncertain significance (1); Likely benign (2). Last evaluated 2025-12-10.

Conditions:
GCLC-related disorder. Also called: GCLC-related condition.

Allele frequency attached by ClinVar (database versions not stated): gnomAD 0.00006 and 0.00025; gnomAD exomes 0.00024 and 0.00047; 1000 Genomes Project 30x 0.00078; 1000 Genomes Project 0.00100; ExAC 0.00033.
gnomAD v4.1: 710 of 1,614,162 alleles (0.044%); highest among the groups gnomAD compares: East Asian, 1.5%; 7 homozygotes.

Submissions (3):

PreventionGenetics, part of Exact Sciences
Classification: Likely benign for GCLC-related condition. Last evaluated: 2025-12-10. Review status: criteria provided, single submitter. Criteria: ACMG Guidelines, 2015. Collection method: clinical testing. Allele origin: germline.
Comment: This variant is classified as likely benign based on ACMG/AMP sequence variant interpretation guidelines (Richards et al. 2015 PMID: 25741868, with internal and published modifications).

Labcorp Genetics (formerly Invitae), Labcorp
Classification: Likely benign. Last evaluated: 2024-06-03. Review status: criteria provided, single submitter. Criteria: Invitae Variant Classification Sherloc (09022015). Collection method: clinical testing. Allele origin: germline.

ARUP Laboratories, Molecular Genetics and Genomics, ARUP Laboratories
Classification: Uncertain significance. Last evaluated: 2020-11-18. Review status: criteria provided, single submitter. Criteria: ARUP Molecular Germline Variant Investigation Process 2021. Collection method: clinical testing. Allele origin: germline.